The following is an entry in ClinVar:

ClinVar aggregate classification (germline): Uncertain significance (1 of 4 stars; one submission).

Submission:

GeneDx
Classification: Uncertain significance. Last evaluated: 2024-01-22. Review status: criteria provided, single submitter. Criteria: GeneDx Variant Classification Process June 2021. Collection method: clinical testing. Allele origin: germline. Affected: yes.
Comment: Not observed at significant frequency in large population cohorts (gnomAD); In silico analysis supports that this missense variant does not alter protein structure/function; Has not been previously published as pathogenic or benign to our knowledge

NM_005883.3(APC2):c.4629G>C (p.Gln1543His)

Gene: APC2 (APC regulator of WNT signaling pathway 2; plus strand). Cytogenetic location: 19p13.3.
Variant type: single nucleotide variant.
Coding change: c.4629G>C on transcript NM_005883.3 (MANE Select); coding-DNA position 4629, G replaced by C.
Protein change: p.Gln1543His; replaces glutamine 1543 with histidine.
Molecular consequence: missense variant.
Genome position (GRCh38, 1-based): chr19:1,467,930, G>C. VCF-style: chr19-1467930-G-C. GRCh37 (hg19) VCF-style: chr19-1467929-G-C.
Other names: c.4626G>C, p.Gln1542His (NM_001351273.1); short protein forms Q1542H, Q1543H.
Identifiers: ClinVar variation 3368124 (VCV003368124.1).
Genomic context (GRCh38, chr19:1,467,930, plus strand): 5'-CACGCCAACCCACCGGCGCACATCGGCCATCCCTCGCGCTTTTACGCGGGAGCGTCCGCA[G>C]GGCCGGAAGGAGGCCCCTGCCCCGTCCAAGGCTGCACCAGCTGCCCCGCCGCCCGCCCGG-3'
Protein context (NP_005874.1, residues 1533-1553): IPRAFTRERP[Gln1543His]GRKEAPAPSK